The following is an entry in ClinVar:

ClinVar aggregate classification (germline): Uncertain significance. Review status: criteria provided, multiple submitters, no conflicts (2 of 4 stars). 3 submissions from 3 submitters: Uncertain significance (3). Last evaluated 2024-09-01.

Conditions:
Ehlers-Danlos syndrome (EDS). Identifiers: Orphanet 98249, MedGen C0013720, MONDO:0020066.
Aneurysm-osteoarthritis syndrome. Also called: LOEYS-DIETZ SYNDROME WITH OSTEOARTHRITIS; Loeys-Dietz syndrome, type 1C; ANEURYSMS-OSTEOARTHRITIS SYNDROME; SMAD3-Related Loeys-Dietz Syndrome. Identifiers: Orphanet 284984, MedGen C3151087, MONDO:0013426, OMIM 613795.

Allele frequency attached by ClinVar (database versions not stated): gnomAD exomes below 0.00001.
gnomAD v4.1: 1 of 1,613,754 alleles (0.000062%); highest among the groups gnomAD compares: Non-Finnish European, 0.000085%; no homozygotes.

Submissions (3):

CeGaT Center for Human Genetics Tuebingen
Classification: Uncertain significance. Last evaluated: 2024-09-01. Review status: criteria provided, single submitter. Criteria: CeGaT Center For Human Genetics Tuebingen Variant Classification Criteria Version 2. Collection method: clinical testing. Allele origin: germline. Affected: yes. Observed: 1 variant allele.
Comment: SMAD3: PM2, PP2, PP3

Institute of Human Genetics, Cologne University
Classification: Uncertain significance for Aneurysm-osteoarthritis syndrome. Last evaluated: 2022-07-26. Review status: criteria provided, single submitter. Criteria: ACMG Guidelines, 2015. Collection method: clinical testing. Allele origin: germline.

Genome Diagnostics Laboratory, The Hospital for Sick Children
Classification: Uncertain significance for Ehlers-Danlos syndrome. Last evaluated: 2020-12-11. Review status: criteria provided, single submitter. Criteria: ACMG Guidelines, 2015. Collection method: clinical testing. Allele origin: germline.

NM_005902.4(SMAD3):c.701C>T (p.Ser234Phe)

Gene: SMAD3 (SMAD family member 3; plus strand). Cytogenetic location: 15q22.33.
Variant type: single nucleotide variant.
Coding change: c.701C>T on transcript NM_005902.4 (MANE Select); coding-DNA position 701, C replaced by T.
Protein change: p.Ser234Phe; replaces serine 234 with phenylalanine.
Molecular consequence: missense variant.
Genome position (GRCh38, 1-based): chr15:67,181,283, C>T. VCF-style: chr15-67181283-C-T. GRCh37 (hg19) VCF-style: chr15-67473621-C-T.
Other names: c.386C>T, p.Ser129Phe (NM_001145102.2); c.569C>T, p.Ser190Phe (NM_001145103.2); c.116C>T, p.Ser39Phe (NM_001145104.2); c.701C>T (NM_005902.3); short protein forms S129F, S190F, S234F, S39F.
Identifiers: ClinVar variation 1700008 (VCV001700008.18), dbSNP rs2140313919, ClinGen allele CA392955964.